The following is an entry in ClinVar:

ClinVar aggregate classification (germline): Conflicting classifications of pathogenicity. Review status: criteria provided, conflicting classifications (1 of 4 stars). 2 submissions from 2 submitters: Uncertain significance (1); Benign (1). Last evaluated 2025-05-23.

Conditions:
Hereditary breast ovarian cancer syndrome. Also called: Hereditary breast and ovarian cancer syndrome (HBOC); Hereditary breast and ovarian cancer; Hereditary breast and/or ovarian cancer syndrome; Hereditary breast and ovarian cancer syndrome; Breast and ovarian cancer; BRCA1- and BRCA2-Associated Hereditary Breast and Ovarian Cancer. Identifiers: Orphanet 145, MedGen C0677776, MeSH D061325, MONDO:0003582. Disease mechanism: loss of function.
Hereditary cancer-predisposing syndrome. Also called: Neoplastic Syndromes, Hereditary; Tumor predisposition; Hereditary neoplastic syndrome; Hereditary Cancer Syndrome. Identifiers: Orphanet 140162, MedGen C0027672, MeSH D009386, MONDO:0015356.

Allele frequency attached by ClinVar (database versions not stated): gnomAD exomes 0.00001.
gnomAD v4.1: 5 of 1,614,126 alleles (0.00031%); highest among the groups gnomAD compares: East Asian, 0.0089%; no homozygotes.

Submissions (2):

Ambry Genetics
Classification: Benign for Hereditary cancer-predisposing syndrome. Last evaluated: 2025-05-23. Review status: criteria provided, single submitter. Criteria: Ambry Variant Classification Scheme 2023. Collection method: clinical testing. Allele origin: germline.

Labcorp Genetics (formerly Invitae), Labcorp
Classification: Uncertain significance for Hereditary breast ovarian cancer syndrome. Last evaluated: 2024-05-21. Review status: criteria provided, single submitter. Criteria: Invitae Variant Classification Sherloc (09022015). Collection method: clinical testing. Allele origin: germline.
Comment: This sequence change replaces histidine, which is basic and polar, with tyrosine, which is neutral and polar, at codon 3056 of the BRCA2 protein (p.His3056Tyr). This variant is present in population databases (no rsID available, gnomAD 0.006%). This missense change has been observed in individual(s) with prostate, breast and/or ovarian cancer (PMID: 27701467, 29215753, 30287823, 30652428). This variant is also known as c.9394C>T. ClinVar contains an entry for this variant (Variation ID: 838672). Advanced modeling of protein sequence and biophysical properties (such as structural, functional, and spatial information, amino acid conservation, physicochemical variation, residue mobility, and thermodynamic stability) performed at Invitae indicates that this missense variant is not expected to disrupt BRCA2 protein function with a negative predictive value of 95%. In summary, the available evidence is currently insufficient to determine the role of this variant in disease. Therefore, it has been classified as a Variant of Uncertain Significance.

Literature cited by the submitters: PubMed 24249303 (cited by Ambry Genetics); PubMed 29215753 (cited by Ambry Genetics and Labcorp Genetics (formerly Invitae), Labcorp); PubMed 37731132 (cited by Ambry Genetics); PubMed 27701467 (cited by Labcorp Genetics (formerly Invitae), Labcorp); PubMed 30287823 (cited by Labcorp Genetics (formerly Invitae), Labcorp); PubMed 30652428 (cited by Labcorp Genetics (formerly Invitae), Labcorp).

NM_000059.4(BRCA2):c.9166C>T (p.His3056Tyr)

Gene: BRCA2 (BRCA2 DNA repair associated; plus strand). Cytogenetic location: 13q13.1.
Variant type: single nucleotide variant.
Coding change: c.9166C>T on transcript NM_000059.4 (MANE Select); coding-DNA position 9166, C replaced by T.
Protein change: p.His3056Tyr; replaces histidine 3056 with tyrosine.
Molecular consequence: missense variant.
Genome position (GRCh38, 1-based): chr13:32,380,055, C>T. VCF-style: chr13-32380055-C-T. GRCh37 (hg19) VCF-style: chr13-32954192-C-T.
Other names: short protein forms H3056Y.
Identifiers: ClinVar variation 838672 (VCV000838672.10), dbSNP rs1420447960, ClinGen allele CA387757982.